The following is an entry in ClinVar:

NM_022455.5(NSD1):c.6974C>T (p.Pro2325Leu)

Gene: NSD1 (nuclear receptor binding SET domain protein 1; plus strand). Cytogenetic location: 5q35.3.
Variant type: single nucleotide variant.
Coding change: c.6974C>T on transcript NM_022455.5 (MANE Select); coding-DNA position 6974, C replaced by T.
Protein change: p.Pro2325Leu; replaces proline 2325 with leucine.
Molecular consequence: missense variant.
Genome position (GRCh38, 1-based): chr5:177,294,342, C>T. VCF-style: chr5-177294342-C-T. GRCh37 (hg19) VCF-style: chr5-176721343-C-T.
Other names: c.6101C>T, p.Pro2034Leu (NM_001365684.2, NM_001409308.1, NM_172349.5); c.6974C>T, p.Pro2325Leu (NM_001409301.1, NM_001409302.1, NM_001409303.1); c.6554C>T, p.Pro2185Leu (NM_001409304.1); c.6221C>T, p.Pro2074Leu (NM_001409305.1); c.6212C>T, p.Pro2071Leu (NM_001409306.1, NM_001409307.1); c.5852C>T, p.Pro1951Leu (NM_001409309.1); short protein forms P2034L, P2325L, P2185L, P2071L, P1951L, P2074L.
Identifiers: ClinVar variation 3635581 (VCV003635581.2).

ClinVar aggregate classification (germline): Uncertain significance (1 of 4 stars; one submission).

Submission:

Labcorp Genetics (formerly Invitae), Labcorp
Classification: Uncertain significance. Last evaluated: 2025-11-10. Review status: criteria provided, single submitter. Criteria: Invitae Variant Classification Sherloc (09022015). Collection method: clinical testing. Allele origin: germline.
Comment: This sequence change replaces proline, which is neutral and non-polar, with leucine, which is neutral and non-polar, at codon 2325 of the NSD1 protein (p.Pro2325Leu). This variant is not present in population databases (gnomAD no frequency). This variant has not been reported in the literature in individuals affected with NSD1-related conditions. ClinVar contains an entry for this variant (Variation ID: 3635581). Invitae Evidence Modeling of protein sequence and biophysical properties (such as structural, functional, and spatial information, amino acid conservation, physicochemical variation, residue mobility, and thermodynamic stability) indicates that this missense variant is not expected to disrupt NSD1 protein function with a negative predictive value of 95%. In summary, the available evidence is currently insufficient to determine the role of this variant in disease. Therefore, it has been classified as a Variant of Uncertain Significance.